The following is an entry in ClinVar:

ClinVar aggregate classification (germline): Pathogenic. Review status: criteria provided, single submitter (1 of 4 stars). 2 submissions from 2 submitters: Pathogenic (1). 1 of the submissions does not count toward it. Last evaluated 2026-04-14.

Conditions:
Familial intrahepatic cholestasis. Identifiers: Orphanet 284385, MedGen CN296401, MONDO:0017290.
Cholestasis, intrahepatic, of pregnancy, 3. Identifiers: Orphanet 69665, MedGen C3554241, MONDO:0013995, OMIM 614972.

Submissions (2):

Genomenon, Inc
Classification: Pathogenic for Familial intrahepatic cholestasis. Last evaluated: 2026-04-14. Review status: criteria provided, single submitter. Criteria: Genomenon Sequence Variant Interpretation Standards - Updated. Collection method: curation. Allele origin: germline. Affected: yes.
Comment: ABCB4 p.Tyr961SerfsTer38 (c.2882_2883del) is a frameshift variant that results in the production of a truncated protein which is predicted to undergo nonsense-mediated mRNA decay. This variant has been observed in at least one proband with an ABCB4-related disorder (PMID:32581362). It is absent or not present at a significant frequency in gnomAD. In conclusion, we classify ABCB4 p.Tyr961SerfsTer38 (c.2882_2883del) as a pathogenic variant.

NIHR Bioresource Rare Diseases, University of Cambridge
Classification: Likely pathogenic for Cholestasis, intrahepatic, of pregnancy, 3. Review status: no assertion criteria provided. Collection method: research. Allele origin: unknown. Affected: yes. Observed: 1 variant allele. Not counted in ClinVar's aggregate classification.

Literature cited by the submitters: PubMed 32581362 (cited by Genomenon, Inc and NIHR Bioresource Rare Diseases, University of Cambridge).

NM_000443.4(ABCB4):c.2882_2883del (p.Tyr961fs)

Gene: ABCB4 (ATP binding cassette subfamily B member 4; minus strand). Cytogenetic location: 7q21.12.
Variant type: Microsatellite.
Coding change: c.2882_2883del on transcript NM_000443.4 (MANE Select); coding-DNA positions 2882 to 2883, 2 bases deleted (AT; older notation c.2882_2883delAT).
Protein change: p.Tyr961fs; shifts the reading frame from tyrosine 961.
Molecular consequence: frameshift variant. On other transcripts: intron variant (1).
Genome position (GRCh38, 1-based): chr7:87,411,934-87,411,935, AT deleted on the plus strand (AT on the coding strand, the reverse complement: ABCB4 is on the minus strand); deleting any 2 consecutive bases within chr7:87,411,934-87,411,937 gives the same sequence; the c. name uses the placement nearest the transcript's 3' end. VCF-style (leftmost placement, unchanged base first): chr7-87411933-GAT-G. GRCh37 (hg19) VCF-style: chr7-87041249-GAT-G.
Other names: c.2882_2883del, p.Tyr961fs (NM_018849.3); c.2783+1682_2783+1683del (NM_018850.3); short protein forms Y961fs.
Identifiers: ClinVar variation 812978 (VCV000812978.3), dbSNP rs1584684209, ClinGen allele CA915944955.